The following is an entry in ClinVar:

ClinVar aggregate classification (germline): Uncertain significance (1 of 4 stars; one submission).

Conditions:
Argininosuccinate lyase deficiency. Also called: ARGININOSUCCINIC ACID LYASE DEFICIENCY; ASL DEFICIENCY; Argininosuccinic aciduria. Identifiers: Orphanet 23, MedGen C0268547, MONDO:0008815, OMIM 207900, HP:0025630.

Allele frequency attached by ClinVar (database versions not stated): ExAC 0.00001; TOPMed 0.00003; ESP Exome Variant Server 0.00015.
gnomAD v4.1: 6 of 1,613,772 alleles (0.00037%); highest among the groups gnomAD compares: African/African-American, 0.0067%; no homozygotes.

Submission:

Labcorp Genetics (formerly Invitae), Labcorp
Classification: Uncertain significance for Argininosuccinate lyase deficiency. Last evaluated: 2022-05-19. Review status: criteria provided, single submitter. Criteria: Invitae Variant Classification Sherloc (09022015). Collection method: clinical testing. Allele origin: germline.
Comment: This sequence change falls in intron 11 of the ASL gene. It does not directly change the encoded amino acid sequence of the ASL protein. This variant is present in population databases (rs373749562, gnomAD 0.01%). This variant has not been reported in the literature in individuals affected with ASL-related conditions. Algorithms developed to predict the effect of sequence changes on RNA splicing suggest that this variant may disrupt the consensus splice site. In summary, the available evidence is currently insufficient to determine the role of this variant in disease. Therefore, it has been classified as a Variant of Uncertain Significance.

NM_000048.4(ASL):c.834-5C>A

Gene: ASL (argininosuccinate lyase; plus strand). Cytogenetic location: 7q11.21.
Variant type: single nucleotide variant.
Coding change: c.834-5C>A on transcript NM_000048.4 (MANE Select); 5 bases into the intron before coding-DNA position 834, C replaced by A.
Molecular consequence: intron variant.
Genome position (GRCh38, 1-based): chr7:66,089,086, C>A. VCF-style: chr7-66089086-C-A. GRCh37 (hg19) VCF-style: chr7-65554073-C-A.
Other names: c.834-5C>A (NM_001024943.2, NM_001024944.2); c.756-5C>A (NM_001024946.2).
Identifiers: ClinVar variation 2160326 (VCV002160326.1), dbSNP rs373749562, ClinGen allele CA4277153.